The following is an entry in ClinVar:

NM_145725.3(TRAF3):c.638_639del (p.Leu213fs)

Genes: TRAF3 (TNF receptor associated factor 3; plus strand), LOC126862065 (BRD4-independent group 4 enhancer GRCh37_chr14:103352003-103353202; plus strand). Cytogenetic location: 14q32.32.
Variant type: Microsatellite.
Coding change: c.638_639del on transcript NM_145725.3 (MANE Select); coding-DNA positions 638 to 639, 2 bases deleted (TC; older notation c.638_639delTC).
Protein change: p.Leu213fs; shifts the reading frame from leucine 213.
Molecular consequence: frameshift variant. On other transcripts: intron variant (2).
Genome position (GRCh38, 1-based): chr14:102,886,256-102,886,257, TC deleted; deleting any 2 consecutive bases within chr14:102,886,253-102,886,257 gives the same sequence; the c. name uses the placement nearest the transcript's 3' end. VCF-style (leftmost placement, unchanged base first): chr14-102886252-ACT-A. GRCh37 (hg19) VCF-style: chr14-103352589-ACT-A.
Other names: c.638_639del, p.Leu213fs (NM_001385142.1, NM_003300.4, NM_145726.3); c.571-3304_571-3303del (NM_001385143.1); c.570+9731_570+9732del (NM_001199427.2); short protein forms L213fs.
Identifiers: ClinVar variation 2838390 (VCV002838390.3), dbSNP rs2542507466, ClinGen allele CA2739278600.

ClinVar aggregate classification (germline): Uncertain significance (1 of 4 stars; one submission).

Conditions:
Immunodeficiency 132A. Also called: Herpes simplex encephalitis, susceptibility to, 3. Identifiers: Orphanet 1930, MedGen C3553868, MONDO:0013920, OMIM 614849.

Submission:

Labcorp Genetics (formerly Invitae), Labcorp
Classification: Uncertain significance for Immunodeficiency 132A. Last evaluated: 2023-02-16. Review status: criteria provided, single submitter. Criteria: Invitae Variant Classification Sherloc (09022015). Collection method: clinical testing. Allele origin: germline.
Comment: This variant is not present in population databases (gnomAD no frequency). This sequence change creates a premature translational stop signal (p.Leu213Profs*20) in the TRAF3 gene. It is expected to result in an absent or disrupted protein product. However, the current clinical and genetic evidence is not sufficient to establish whether loss-of-function variants in TRAF3 cause disease. This variant has not been reported in the literature in individuals affected with TRAF3-related conditions. Experimental studies and prediction algorithms are not available or were not evaluated, and the functional significance of this variant is currently unknown. In summary, the available evidence is currently insufficient to determine the role of this variant in disease. Therefore, it has been classified as a Variant of Uncertain Significance.